The following is an entry in ClinVar:

NM_032119.4(ADGRV1):c.7536A>G (p.Ile2512Met)

Gene: ADGRV1 (adhesion G protein-coupled receptor V1; plus strand). Cytogenetic location: 5q14.3.
Variant type: single nucleotide variant.
Coding change: c.7536A>G on transcript NM_032119.4 (MANE Select); coding-DNA position 7536, A replaced by G.
Protein change: p.Ile2512Met; replaces isoleucine 2512 with methionine.
Molecular consequence: missense variant. On other transcripts: non-coding transcript variant (1).
Genome position (GRCh38, 1-based): chr5:90,694,292, A>G. VCF-style: chr5-90694292-A-G. GRCh37 (hg19) VCF-style: chr5-89990109-A-G.
Other names: short protein forms I2512M.
Identifiers: ClinVar variation 1468588 (VCV001468588.8), dbSNP rs1746882430, ClinGen allele CA360379026.

ClinVar aggregate classification (germline): Uncertain significance (1 of 4 stars; one submission).

Allele frequency attached by ClinVar (database versions not stated): gnomAD 0.00001.
gnomAD v4.1: 1 of 1,613,872 alleles (0.000062%); highest among the groups gnomAD compares: African/African-American, 0.0013%; no homozygotes.

Submission:

Labcorp Genetics (formerly Invitae), Labcorp
Classification: Uncertain significance. Last evaluated: 2024-07-11. Review status: criteria provided, single submitter. Criteria: Invitae Variant Classification Sherloc (09022015). Collection method: clinical testing. Allele origin: germline.
Comment: This sequence change replaces isoleucine, which is neutral and non-polar, with methionine, which is neutral and non-polar, at codon 2512 of the ADGRV1 protein (p.Ile2512Met). This variant is not present in population databases (gnomAD no frequency). This variant has not been reported in the literature in individuals affected with ADGRV1-related conditions. ClinVar contains an entry for this variant (Variation ID: 1468588). Advanced modeling of protein sequence and biophysical properties (such as structural, functional, and spatial information, amino acid conservation, physicochemical variation, residue mobility, and thermodynamic stability) performed at Invitae indicates that this missense variant is not expected to disrupt ADGRV1 protein function with a negative predictive value of 95%. In summary, the available evidence is currently insufficient to determine the role of this variant in disease. Therefore, it has been classified as a Variant of Uncertain Significance.